The following is an entry in ClinVar:

ClinVar aggregate classification (germline): Uncertain significance. Review status: criteria provided, multiple submitters, no conflicts (2 of 4 stars). 2 submissions from 2 submitters: Uncertain significance (2). Last evaluated 2025-09-15.

Conditions:
Cardiovascular phenotype. Identifiers: MedGen CN230736.
Progressive familial heart block type IB (PFHB1B). Identifiers: Orphanet 871, MedGen C1970298, MONDO:0011474, OMIM 604559.

Allele frequency attached by ClinVar (database versions not stated): ExAC 0.00002; 1000 Genomes Project 0.00020; gnomAD 0.00001; ESP Exome Variant Server 0.00008; 1000 Genomes Project 30x 0.00016.
gnomAD v4.1: 33 of 1,613,762 alleles (0.002%); highest among the groups gnomAD compares: Non-Finnish European, 0.0026%; no homozygotes.

Submissions (2):

Labcorp Genetics (formerly Invitae), Labcorp
Classification: Uncertain significance for Progressive familial heart block type IB. Last evaluated: 2025-09-15. Review status: criteria provided, single submitter. Criteria: Invitae Variant Classification Sherloc (09022015). Collection method: clinical testing. Allele origin: germline.
Comment: This sequence change replaces glycine, which is neutral and non-polar, with serine, which is neutral and polar, at codon 215 of the TRPM4 protein (p.Gly215Ser). This variant is present in population databases (rs371319252, gnomAD 0.006%). This variant has not been reported in the literature in individuals affected with TRPM4-related conditions. ClinVar contains an entry for this variant (Variation ID: 1753539). An algorithm developed to predict the effect of missense changes on protein structure and function outputs the following: PolyPhen-2: "Benign". The serine amino acid residue is found in multiple mammalian species, which suggests that this missense change does not adversely affect protein function. In summary, the available evidence is currently insufficient to determine the role of this variant in disease. Therefore, it has been classified as a Variant of Uncertain Significance.

Ambry Genetics
Classification: Uncertain significance for Cardiovascular phenotype. Last evaluated: 2023-12-15. Review status: criteria provided, single submitter. Criteria: Ambry Variant Classification Scheme 2023. Collection method: clinical testing. Allele origin: germline.
Comment: The p.G215S variant (also known as c.643G>A), located in coding exon 6 of the TRPM4 gene, results from a G to A substitution at nucleotide position 643. The glycine at codon 215 is replaced by serine, an amino acid with similar properties. This amino acid position is conserved. In addition, this alteration is predicted to be tolerated by in silico analysis. Since supporting evidence is limited at this time, the clinical significance of this alteration remains unclear.

NM_017636.4(TRPM4):c.643G>A (p.Gly215Ser)

Gene: TRPM4 (transient receptor potential cation channel subfamily M member 4; plus strand). Cytogenetic location: 19q13.33.
Variant type: single nucleotide variant.
Coding change: c.643G>A on transcript NM_017636.4 (MANE Select); coding-DNA position 643, G replaced by A.
Protein change: p.Gly215Ser; replaces glycine 215 with serine.
Molecular consequence: missense variant. On other transcripts: 5 prime UTR variant (2).
Genome position (GRCh38, 1-based): chr19:49,168,583, G>A. VCF-style: chr19-49168583-G-A. GRCh37 (hg19) VCF-style: chr19-49671840-G-A.
Other names: c.643G>A, p.Gly215Ser (NM_001195227.2); c.298G>A, p.Gly100Ser (NM_001321281.2); c.-911G>A (NM_001321282.2); c.121G>A, p.Gly41Ser (NM_001321283.2); c.-207G>A (NM_001321285.2); short protein forms G100S, G41S, G215S.
Identifiers: ClinVar variation 1753539 (VCV001753539.5), dbSNP rs371319252, ClinGen allele CA9568901.
Genomic context (GRCh38, chr19:49,168,583, plus strand): 5'-GACGCCCTGGTCTGGCCATTTTTCCCCTAGGGCTCGTTCCCTGCGAGGTACCGGTGGCGC[G>A]GTGACCCGGAGGACGGGGTCCAGTTTCCCCTGGACTACAACTACTCGGCCTTCTTCCTGG-3'
Protein context (NP_060106.2, residues 205-225): GSFPARYRWR[Gly215Ser]DPEDGVQFPL